The following is an entry in ClinVar:

ClinVar aggregate classification (germline): Uncertain significance (1 of 4 stars; one submission).

Allele frequency attached by ClinVar (database versions not stated): TOPMed 0.00003; gnomAD 0.00004; gnomAD exomes 0.00004.

Submission:

Labcorp Genetics (formerly Invitae), Labcorp
Classification: Uncertain significance. Last evaluated: 2024-03-21. Review status: criteria provided, single submitter. Criteria: Invitae Variant Classification Sherloc (09022015). Collection method: clinical testing. Allele origin: germline.
Comment: This variant occurs in a non-coding region of the ANKRD26 gene. It does not change the encoded amino acid sequence of the ANKRD26 protein. This variant is present in population databases (no rsID available, gnomAD 0.007%). This variant has not been reported in the literature in individuals affected with ANKRD26-related conditions. ClinVar contains an entry for this variant (Variation ID: 1930143). In summary, the available evidence is currently insufficient to determine the role of this variant in disease. Therefore, it has been classified as a Variant of Uncertain Significance.

NM_014915.3(ANKRD26):c.-16C>A

Gene: ANKRD26 (ankyrin repeat domain 26; minus strand). Cytogenetic location: 10p12.1.
Variant type: single nucleotide variant.
Coding change: c.-16C>A on transcript NM_014915.3 (MANE Select); 16 bases upstream of the start codon, C replaced by A.
Molecular consequence: 5 prime UTR variant.
Genome position (GRCh38, 1-based): chr10:27,100,342, G>T on the plus strand (C>A on the coding strand, the complement: ANKRD26 is on the minus strand). VCF-style: chr10-27100342-G-T. GRCh37 (hg19) VCF-style: chr10-27389271-G-T.
Other names: c.-16C>A (NM_001256053.2).
Identifiers: ClinVar variation 1930143 (VCV001930143.5), dbSNP rs1239245127, ClinGen allele CA468660498.